The following is an entry in ClinVar:

ClinVar aggregate classification (germline): Likely pathogenic. Review status: reviewed by expert panel (3 of 4 stars). 5 submissions from 5 submitters: Likely pathogenic (1). 4 of the submissions do not count toward it. Last evaluated 2021-03-26.

Conditions:
CDKL5 disorder. Identifiers: MedGen CN296942, MONDO:0100039.
Developmental and epileptic encephalopathy, 2 (DEE2). Also called: CDKL5 deficiency disorder; INFANTILE SPASM SYNDROME, X-LINKED 2. Identifiers: Orphanet 1934, Orphanet 3451, Orphanet 505652, MedGen C4750718, MONDO:0010396, OMIM 300672.

Allele frequency attached by ClinVar (database versions not stated): gnomAD exomes below 0.00001.
gnomAD v4.1: 1 of 1,211,206 alleles (0.000083%); highest among the groups gnomAD compares: Non-Finnish European, 0.00011%; no homozygotes.

Submissions (5):

ClinGen Rett and Angelman-like Disorders Variant Curation Expert Panel
Classification: Likely pathogenic for CDKL5 disorder. Last evaluated: 2021-03-26. Review status: reviewed by expert panel. Criteria: ClinGen RettAS ACMG Specifications V1. Collection method: curation. Allele origin: germline. Inheritance: X-linked inheritance.
Comment: The p.Asp193Gly variant in CDKL5 has been reported in at least 2 de novo occurrences (biological parentage unconfirmed) in affected individuals (PMID 23583054) (PM6_Strong). The p.Asp193Gly variant in CDKL5 is absent from gnomAD (PM2_Supporting). The variant has been reported to segregate in two informative meioses (PMID: 23583054) (PP1). Computational prediction analysis tools suggests a deleterious impact; however, this information does not predict clinical significance on its own (PP3). The p.Asp193Gly variant in CDKL5 has been reported in an individual with a clinical phenotype suggestive of a CDKL5-associated disorder (PP4). In summary, the p.Asp193Gly variant in CDKL5 is classified as likely pathogenic for CDKL5-associated disorder based on the ACMG/AMP criteria (PM6_strong, PM2_supporting, PP1, PP3, PP4).

Centre for Population Genomics, CPG
Classification: Likely pathogenic for CDKL5 disorder. Last evaluated: 2024-07-11. Review status: criteria provided, single submitter. Criteria: McKnight et al. (Hum Mutat. 2022). Collection method: curation. Allele origin: germline. Inheritance: X-linked inheritance. Not counted in ClinVar's aggregate classification.
Comment: This variant has been collected from RettBASE and curated to current modified ACMG/AMP criteria. Based on the classification scheme defined by the ClinGen Rett/Angelman-like Expert Panel for Rett/AS-like Disorders Specifications to the ACMG/AMP Variant Interpretation Guidelines VCEP 3.0, this variant is classified as likely pathogenic. At least the following criteria are met: Another missense variant in the same codon has been classified as pathogenic (PM5) Variation ID: 1432338, PMID: 29655203 PMID: 27781031 Co-segregation with disease in multiple affected family members in at least 2 informative meiosis (PP1). 23583054 Computational prediction analysis tools suggests a deleterious impact (REVEL score>= 0.75) (PP3). At least one individual with this variant has been reported with a clinical phenotype consistent with CDKL5- related condition (PP4). PMID 23583054 This variant is absent from gnomAD v2/v3 (PM2_Supporting). Has been observed in at least 2 individuals with phenotypes consistent with CDKL5 disorder (PS4_Supporting).

CeGaT Center for Human Genetics Tuebingen
Classification: Pathogenic. Last evaluated: 2018-07-01. Review status: criteria provided, single submitter. Criteria: CeGaT Center For Human Genetics Tuebingen Variant Classification Criteria Version 2. Collection method: clinical testing. Allele origin: germline. Affected: yes. Observed: 2 variant alleles. Not counted in ClinVar's aggregate classification.

Genetic Services Laboratory, University of Chicago
Classification: Pathogenic for Epileptic encephalopathy, early infantile, 2. Last evaluated: 2013-02-08. Review status: criteria provided, single submitter. Criteria: ACMG Guidelines, 2007. Collection method: clinical testing. Allele origin: germline. Inheritance: X-linked inheritance. Affected: yes. Not counted in ClinVar's aggregate classification.

RettBASE
Classification: Pathogenic for Epileptic encephalopathy, early infantile, 2. Last evaluated: 2014-03-13. Review status: no assertion criteria provided. Collection method: curation. Allele origin: unknown. Affected: yes. Observed: 2 variant alleles. Not counted in ClinVar's aggregate classification.
Comment: In silico prediction: SIFT = deleterious, MutationTaster = disease-causing, PolyPhen2 = probably damaging, AlignGVGD = pathogenic (C65)

Literature cited by the submitters: PubMed 23583054 (cited by ClinGen Rett and Angelman-like Disorders Variant Curation Expert Panel and RettBASE).

NM_001323289.2(CDKL5):c.578A>G (p.Asp193Gly)

Gene: CDKL5 (cyclin dependent kinase like 5; plus strand). Cytogenetic location: Xp22.13.
Variant type: single nucleotide variant.
Coding change: c.578A>G on transcript NM_001323289.2 (MANE Select); coding-DNA position 578, A replaced by G.
Protein change: p.Asp193Gly; replaces aspartic acid 193 with glycine.
Molecular consequence: missense variant.
Genome position (GRCh38, 1-based): chrX:18,587,977, A>G. VCF-style: chrX-18587977-A-G. GRCh37 (hg19) VCF-style: chrX-18606097-A-G.
Other names: NM_001323289.2(CDKL5):c.578A>G; c.578A>G, p.Asp193Gly (NM_001037343.2, NM_003159.3); short protein forms D193G.
Identifiers: ClinVar variation 143826 (VCV000143826.50), dbSNP rs267608500, ClinGen allele CA171648.